The following is an entry in ClinVar:

ClinVar aggregate classification (germline): Uncertain significance (1 of 4 stars; one submission).

Submission:

Labcorp Genetics (formerly Invitae), Labcorp
Classification: Uncertain significance. Last evaluated: 2024-09-23. Review status: criteria provided, single submitter. Criteria: Invitae Variant Classification Sherloc (09022015). Collection method: clinical testing. Allele origin: germline.
Comment: This sequence change falls in intron 4 of the RNF43 gene. It does not directly change the encoded amino acid sequence of the RNF43 protein. This variant is not present in population databases (gnomAD no frequency). This variant has not been reported in the literature in individuals affected with RNF43-related conditions. Algorithms developed to predict the effect of sequence changes on RNA splicing suggest that this variant may disrupt the consensus splice site. In summary, the available evidence is currently insufficient to determine the role of this variant in disease. Therefore, it has been classified as a Variant of Uncertain Significance.

NM_017763.6(RNF43):c.451-19G>A

Gene: RNF43 (ring finger protein 43; minus strand). Cytogenetic location: 17q22.
Variant type: single nucleotide variant.
Coding change: c.451-19G>A on transcript NM_017763.6 (MANE Select); 19 bases into the intron before coding-DNA position 451, G replaced by A.
Molecular consequence: intron variant.
Genome position (GRCh38, 1-based): chr17:58,363,425, C>T on the plus strand (G>A on the coding strand, the complement: RNF43 is on the minus strand). VCF-style: chr17-58363425-C-T. GRCh37 (hg19) VCF-style: chr17-56440786-C-T.
Other names: c.451-19G>A (NM_001438822.1, NM_001305544.3, NM_001438820.1 and 1 more transcripts); c.70-19G>A (NM_001305545.2, NM_001437987.1).
Identifiers: ClinVar variation 3621868 (VCV003621868.2).